The following is an entry in ClinVar:

ClinVar aggregate classification (germline): Conflicting classifications of pathogenicity. Review status: criteria provided, conflicting classifications (1 of 4 stars). 4 submissions from 4 submitters: Likely pathogenic (1); Uncertain significance (3). Last evaluated 2025-11-05.

Conditions:
Autosomal recessive limb-girdle muscular dystrophy type 2J (LGMDR10). Also called: MUSCULAR DYSTROPHY, LIMB-GIRDLE, AUTOSOMAL RECESSIVE 10; Limb-girdle muscular dystrophy, type 2J. Identifiers: Orphanet 140922, MedGen C1837342, MONDO:0012127, OMIM 608807.
Dilated cardiomyopathy 1G (CMD1G). Identifiers: Orphanet 154, MedGen C1858763, MONDO:0011400, OMIM 604145.
Tibial muscular dystrophy (TMD). Also called: Udd Distal Myopathy – Tibial Muscular Dystrophy; UDD MYOPATHY; Tibial muscular dystrophy, tardive. Identifiers: Orphanet 609, MedGen C1838244, MONDO:0010870, OMIM 600334.
Early-onset myopathy with fatal cardiomyopathy (CMYO5). Also called: CONGENITAL MYOPATHY 5 WITH CARDIOMYOPATHY; Salih Myopathy. Identifiers: Orphanet 289377, MedGen C2673677, MONDO:0012714, OMIM 611705. Disease mechanism: loss of function.
Myopathy, myofibrillar, 9, with early respiratory failure (MFM9). Also called: EDSTROM MYOPATHY; MYOPATHY, PROXIMAL, WITH EARLY RESPIRATORY MUSCLE INVOLVEMENT; Hereditary myopathy with early respiratory failure; Myopathy, distal, with early respiratory failure, autosomal dominant. Identifiers: Orphanet 178464, Orphanet 34521, MedGen C1863599, MONDO:0011362, OMIM 603689.
Hypertrophic cardiomyopathy 9. Also called: Familial hypertrophic cardiomyopathy 9. Identifiers: MedGen C1861065, MONDO:0013412, OMIM 613765.
Primary dilated cardiomyopathy (DCM). Also called: Dilated Cardiomyopathy. Identifiers: Orphanet 217604, MedGen C0007193, MeSH D002311, MONDO:0005021, HP:0001644. Inheritance: Various modes of inheritance.

Allele frequency attached by ClinVar (database versions not stated): TOPMed below 0.00001; gnomAD 0.00001; gnomAD exomes 0.00001; ExAC 0.00002.
gnomAD v4.1: 12 of 1,612,208 alleles (0.00074%); highest among the groups gnomAD compares: Non-Finnish European, 0.00093%; no homozygotes.

Submissions (4):

Labcorp Genetics (formerly Invitae), Labcorp
Classification: Likely pathogenic for Dilated cardiomyopathy 1G; Autosomal recessive limb-girdle muscular dystrophy type 2J. Last evaluated: 2025-11-05. Review status: criteria provided, single submitter. Criteria: Invitae Variant Classification Sherloc (09022015). Collection method: clinical testing. Allele origin: germline.
Comment: This sequence change affects a donor splice site in intron 139 of the TTN gene. It is expected to disrupt RNA splicing and likely results in a truncated or disrupted TTN protein. This variant is present in population databases (rs746588865, gnomAD 0.003%). This variant has not been observed in the literature in individuals with autosomal recessive TTN-related conditions. This variant has been reported in individual(s) with dilated cardiomyopathy (PMID: 25589632); however, the role of the variant in this condition is currently unclear. This variant is also known as c.33643+1G>A. ClinVar contains an entry for this variant (Variation ID: 223272). Algorithms developed to predict the effect of sequence changes on RNA splicing suggest that this variant may disrupt the consensus splice site. This variant is located in the I band of TTN (PMID: 25589632). Truncating variants in this region have been reported in individuals affected with autosomal recessive centronuclear myopathy (PMID: 23975875, internal data). Truncating variants in this region have also been identified in individuals affected with autosomal dominant dilated cardiomyopathy and/or cardio-related conditions (PMID: 27869827, 32964742, internal data). In summary, the currently available evidence indicates that the variant is pathogenic, but additional data are needed to prove that conclusively. Therefore, this variant has been classified as Likely Pathogenic.

Athena Diagnostics
Classification: Uncertain significance. Last evaluated: 2023-01-13. Review status: criteria provided, single submitter. Criteria: Athena Diagnostics Criteria. Collection method: clinical testing. Allele origin: unknown.
Comment: Available data are insufficient to determine the clinical significance of the variant at this time. The frequency of this variant in the general population is uninformative in assessment of its pathogenicity. This variant is expected to impact normal RNA splicing. However, this variant is predicted to maintain the reading frame of the transcript. The clinical relevance of such a change in this region of the gene has not been established and the effect on protein function is uncertain. This variant occurs in the I-band of the TTN gene and affects a canonical splice site in three main isoforms (major cardiac long isoform: NM_001256850.1, major skeletal muscle long isoform: NM_133378.4, and the inferred complete isoform: NM_001267550.1).

Fulgent Genetics
Classification: Uncertain significance for Tibial muscular dystrophy; Myopathy, myofibrillar, 9, with early respiratory failure; Dilated cardiomyopathy 1G; Autosomal recessive limb-girdle muscular dystrophy type 2J; Early-onset myopathy with fatal cardiomyopathy; Hypertrophic cardiomyopathy 9. Last evaluated: 2021-09-09. Review status: criteria provided, single submitter. Criteria: ACMG Guidelines, 2015. Collection method: clinical testing. Allele origin: unknown.

Cardiovascular Biomedical Research Unit, Royal Brompton & Harefield NHS Foundation Trust
Classification: Uncertain significance for Primary dilated cardiomyopathy. Last evaluated: 2014-10-08. Review status: criteria provided, single submitter. Criteria: Roberts et al. 2015. Collection method: research. Allele origin: germline. Inheritance: Autosomal dominant inheritance. Affected: yes. Observed: 1 variant allele. Study: Unselected DCM.
Comment: This TTN truncating variant (TTNtv) was identified in one individual in this cohort and is located in an exon with low levels of cardiac expression. In the seven cohorts assessed, TTNtv were found in 14% of ambulant DCM, 22% end-stage or familial DCM, and 2% controls. Heterozygous nonsense, frameshift and canonical splice-disrupting variants found in constitutive and other highly utilised exons are highly likely to be pathogenic when identified in individuals with phenotypically confirmed DCM. TTNtv found incidentally in healthy individuals (excluding familial assessment of DCM relatives) are thought to have low penetrance, particularly when identified in exons that are not constitutively expressed in the heart.

Literature cited by the submitters: PubMed 25589632 (cited by Labcorp Genetics (formerly Invitae), Labcorp and Athena Diagnostics); PubMed 23975875 (cited by Labcorp Genetics (formerly Invitae), Labcorp); PubMed 27869827 (cited by Labcorp Genetics (formerly Invitae), Labcorp); PubMed 32964742 (cited by Labcorp Genetics (formerly Invitae), Labcorp).

NM_001267550.2(TTN):c.33418+1G>A

Gene: TTN (titin; minus strand). Cytogenetic location: 2q31.2.
Variant type: single nucleotide variant.
Coding change: c.33418+1G>A on transcript NM_001267550.2 (MANE Select); the canonical splice donor site of the intron after coding-DNA position 33418, G replaced by A.
Molecular consequence: splice donor variant. On other transcripts: intron variant (3).
Genome position (GRCh38, 1-based): chr2:178,680,253, C>T on the plus strand (G>A on the coding strand, the complement: TTN is on the minus strand). VCF-style: chr2-178680253-C-T. GRCh37 (hg19) VCF-style: chr2-179544980-C-T.
Other names: c.33418+1G>A (LRG_391t1, NM_001267550.1); c.13283-37936G>A (NM_003319.4); c.13859-37936G>A (NM_133437.4); c.13658-37936G>A (NM_133432.3); c.29686+1G>A (NM_133378.4); c.32467+1G>A (NM_001256850.1).
Identifiers: ClinVar variation 223272 (VCV000223272.10), dbSNP rs746588865, ClinGen allele CA204011.
Genomic context (GRCh38, chr2:178,680,253, plus strand): 5'-ACTGAAGAGGAATTCAACAGCAAAAGACGAACAAAACATTAAAATGAGTGCCATTAGGTA[C>T]CTCTAACAGGTGGTGCTACTTCTTTTCTAGGGACAGGTACTTTTTCTTCTGCGACAACCC-3'